The following is an entry in ClinVar:

ClinVar aggregate classification (germline): Uncertain significance (1 of 4 stars; one submission).

Conditions:
Progressive myoclonic epilepsy. Also called: Familial progressive myoclonic epilepsy; Myoclonus epilepsy; Progressive myoclonus epilepsy; Myoclonic Epilepsies, Progressive. Identifiers: Orphanet 308, Orphanet 98261, MedGen C0751778, MONDO:0020074.

Submission:

Labcorp Genetics (formerly Invitae), Labcorp
Classification: Uncertain significance for Progressive myoclonic epilepsy. Last evaluated: 2022-03-01. Review status: criteria provided, single submitter. Criteria: Invitae Variant Classification Sherloc (09022015). Collection method: clinical testing. Allele origin: germline.
Comment: This variant results in a copy number gain of the genomic region encompassing exon(s) 1-2 of the SCARB2 gene. This region includes the initiator codon of the gene. This copy number gain extends beyond the assayed region for this gene and therefore may encompass additional genes. As the precise location of this event is unknown, it may be in tandem or it may be located elsewhere in the genome. This variant has not been reported in the literature in individuals affected with SCARB2-related conditions. Experimental studies and prediction algorithms are not available or were not evaluated, and the functional significance of this variant is currently unknown. In summary, the available evidence is currently insufficient to determine the role of this variant in disease. Therefore, it has been classified as a Variant of Uncertain Significance.

NC_000004.11:g.(?_77116840)_(77134696_?)dup

Gene: SCARB2 (scavenger receptor class B member 2; minus strand). Cytogenetic location: 4q21.1.
Variant type: Duplication.
Identifiers: ClinVar variation 2425360 (VCV002425360.3).